The following is an entry in ClinVar:

NM_002709.3(PPP1CB):c.220T>A (p.Leu74Ile)

Gene: PPP1CB (protein phosphatase 1 catalytic subunit beta; plus strand). Cytogenetic location: 2p23.2.
Variant type: single nucleotide variant.
Coding change: c.220T>A on transcript NM_002709.3 (MANE Select); coding-DNA position 220, T replaced by A.
Protein change: p.Leu74Ile; replaces leucine 74 with isoleucine.
Molecular consequence: missense variant.
Genome position (GRCh38, 1-based): chr2:28,778,844, T>A. VCF-style: chr2-28778844-T-A. GRCh37 (hg19) VCF-style: chr2-29001710-T-A.
Other names: c.220T>A, p.Leu74Ile (NM_206876.2); short protein forms L74I.
Identifiers: ClinVar variation 2091069 (VCV002091069.4), dbSNP rs2465728005, ClinGen allele CA346581402.
Genomic context (GRCh38, chr2:28,778,844, plus strand): 5'-TAAAACTGACTCTTTCTCTTTTTAGGAGATATTCATGGACAATATACAGATTTACTGAGA[T>A]TATTTGAATATGGAGGTTTCCCACCAGAAGCCAACTATCTTTTCTTAGGAGATTATGTGG-3'
Protein context (NP_002700.1, residues 64-84): IHGQYTDLLR[Leu74Ile]FEYGGFPPEA

ClinVar aggregate classification (germline): Uncertain significance (1 of 4 stars; one submission).

Submission:

Labcorp Genetics (formerly Invitae), Labcorp
Classification: Uncertain significance. Last evaluated: 2022-12-26. Review status: criteria provided, single submitter. Criteria: Invitae Variant Classification Sherloc (09022015). Collection method: clinical testing. Allele origin: germline.
Comment: In summary, the available evidence is currently insufficient to determine the role of this variant in disease. Therefore, it has been classified as a Variant of Uncertain Significance. Advanced modeling of protein sequence and biophysical properties (such as structural, functional, and spatial information, amino acid conservation, physicochemical variation, residue mobility, and thermodynamic stability) performed at Invitae indicates that this missense variant is not expected to disrupt PPP1CB protein function. This variant has not been reported in the literature in individuals affected with PPP1CB-related conditions. This variant is not present in population databases (gnomAD no frequency). This sequence change replaces leucine, which is neutral and non-polar, with isoleucine, which is neutral and non-polar, at codon 74 of the PPP1CB protein (p.Leu74Ile).